The following is an entry in ClinVar:

ClinVar aggregate classification (germline): Pathogenic (1 of 4 stars; one submission).

Conditions:
Ververi-Brady syndrome 1. Identifiers: Orphanet 580940, MedGen C6065891, MONDO:0060707, OMIM 617982.

Submission:

Victorian Clinical Genetics Services, Murdoch Childrens Research Institute
Classification: Pathogenic for Ververi-Brady syndrome 1. Last evaluated: 2025-06-16. Review status: criteria provided, single submitter. Criteria: ACMG Guidelines, 2015. Collection method: clinical testing. Allele origin: germline. Affected: yes.
Comment: This variant is classified as Pathogenic. Evidence in support of pathogenic classification: Variant is predicted to cause nonsense-mediated decay (NMD) and loss of protein (premature termination codon is located at least 54 nucleotides upstream of the final exon-exon junction); Variant is absent from gnomAD (v2, v3 and v4); Other NMD-predicted variant(s) comparable to the one identified in this case have very strong previous evidence for pathogenicity (DECIPHER); Additional information: This variant is heterozygous; This gene is associated with autosomal dominant disease; This variant has no previous evidence of pathogenicity; No published segregation evidence has been identified for this variant; No published functional evidence has been identified for this variant; Loss of function is a known mechanism of disease in this gene and is associated with Ververi-Brady syndrome (MIM#617982).

NM_198880.3(QRICH1):c.697dup (p.Glu233fs)

Gene: QRICH1 (glutamine rich 1; minus strand). Cytogenetic location: 3p21.31.
Variant type: Duplication.
Coding change: c.697dup on transcript NM_198880.3 (MANE Select); coding-DNA position 697, one base duplicated (G; older notation c.697dupG).
Protein change: p.Glu233fs; shifts the reading frame from glutamic acid 233.
Molecular consequence: frameshift variant.
Genome position (GRCh38, 1-based): chr3:49,057,503, C duplicated on the plus strand (G on the coding strand, the reverse complement: QRICH1 is on the minus strand); the first of 4 consecutive C bases (chr3:49,057,503-49,057,506); duplicating any one gives the same sequence. VCF-style (leftmost placement, unchanged base first): chr3-49057502-T-TC. GRCh37 (hg19) VCF-style: chr3-49094935-T-TC.
Other names: c.697dup, p.Glu233fs (NM_001320580.2, NM_001320581.2, NM_001320582.2 and 4 more transcripts); short protein forms E233fs.
Identifiers: ClinVar variation 4531899 (VCV004531899.1).
Genomic context (GRCh38, chr3:49,057,502, plus strand): 5'-GGCATGTCCACTTTGCGCTTCTTCACTGGTTGGAGGACACTGGCCGTGCCAACCCGCCGC[T>TC]CCCCTTCCCGGGGTGAGCCCTGCTGGGATGGTGGTGGGGAAAGGGCACCCACGGTCTGGA-3'